The following is an entry in ClinVar:

NM_025152.3(NUBPL):c.523G>A (p.Gly175Ser)

Gene: NUBPL (NUBP iron-sulfur cluster assembly factor, mitochondrial; plus strand). Cytogenetic location: 14q12.
Variant type: single nucleotide variant.
Coding change: c.523G>A on transcript NM_025152.3 (MANE Select); coding-DNA position 523, G replaced by A.
Protein change: p.Gly175Ser; replaces glycine 175 with serine.
Molecular consequence: missense variant. On other transcripts: 5 prime UTR variant (1).
Genome position (GRCh38, 1-based): chr14:31,787,789, G>A. VCF-style: chr14-31787789-G-A. GRCh37 (hg19) VCF-style: chr14-32256995-G-A.
Other names: p.Gly175Ser; c.235G>A, p.Gly79Ser (NM_001201573.2); c.-27G>A (NM_001201574.2); short protein forms G175S, G79S.
Identifiers: ClinVar variation 2592965 (VCV002592965.3), dbSNP rs752631820, ClinGen allele CA7147893.

ClinVar aggregate classification (germline): Uncertain significance. Review status: criteria provided, multiple submitters, no conflicts (2 of 4 stars). 2 submissions from 2 submitters: Uncertain significance (2). Last evaluated 2023-06-29.

Conditions:
Inborn genetic diseases. Identifiers: MedGen C0950123, MeSH D030342.

gnomAD v4.1: 16 of 1,608,082 alleles (0.00099%); highest among the groups gnomAD compares: East Asian, 0.036%; no homozygotes.

Submissions (2):

Ambry Genetics
Classification: Uncertain significance for Inborn genetic diseases. Last evaluated: 2023-06-29. Review status: criteria provided, single submitter. Criteria: Ambry Variant Classification Scheme 2023. Collection method: clinical testing. Allele origin: germline.

Mayo Clinic Laboratories, Mayo Clinic
Classification: Uncertain significance. Last evaluated: 2023-03-02. Review status: criteria provided, single submitter. Criteria: ACMG Guidelines, 2015. Collection method: clinical testing. Allele origin: germline. Observed: 1 variant allele.
Comment: PM2